The following is an entry in ClinVar:

NM_022051.3(EGLN1):c.1132C>G (p.Pro378Ala)

Gene: EGLN1 (egl-9 family hypoxia inducible factor 1; minus strand). Cytogenetic location: 1q42.2.
Variant type: single nucleotide variant.
Coding change: c.1132C>G on transcript NM_022051.3 (MANE Select); coding-DNA position 1132, C replaced by G.
Protein change: p.Pro378Ala; replaces proline 378 with alanine.
Molecular consequence: missense variant. On other transcripts: intron variant (1).
Genome position (GRCh38, 1-based): chr1:231,370,578, G>C on the plus strand (C>G on the coding strand, the complement: EGLN1 is on the minus strand). VCF-style: chr1-231370578-G-C. GRCh37 (hg19) VCF-style: chr1-231506324-G-C.
Other names: c.1132C>G, p.Pro378Ala (NM_001377260.1); c.1012-2942C>G (NM_001377261.1); short protein forms P378A.
Identifiers: ClinVar variation 4247408 (VCV004247408.2).
Genomic context (GRCh38, chr1:231,370,578, plus strand): 5'-TCCTACCATACTCTAAACCAATTTTTTCTGAAAAGGAATACTACCTTGTAGCATATGCTG[G>C]TTGTACTTCATGAGGGTTGCGACGGTCAGACCAGAAAAACAGCAGTCTATCAAATTTGGG-3'
Protein context (NP_071334.1, residues 368-388): SDRRNPHEVQ[Pro378Ala]AYATRYAITV

ClinVar aggregate classification (germline): Uncertain significance (1 of 4 stars; one submission).

Submission:

Ambry Genetics
Classification: Uncertain significance. Last evaluated: 2026-06-22. Review status: criteria provided, single submitter. Criteria: Ambry Variant Classification Scheme 2023. Collection method: clinical testing. Allele origin: germline.
Comment: The p.P378A variant (also known as c.1132C>G), located in coding exon 3 of the EGLN1 gene, results from a C to G substitution at nucleotide position 1132. The proline at codon 378 is replaced by alanine, an amino acid with highly similar properties. This amino acid position is conserved. In addition, the in silico prediction for this alteration is inconclusive. Based on the available evidence, the clinical significance of this variant remains unclear.